The following is an entry in ClinVar:

NM_000390.4(CHM):c.853A>G (p.Lys285Glu)

Gene: CHM (CHM Rab escort protein; minus strand). Cytogenetic location: Xq21.2.
Variant type: single nucleotide variant.
Coding change: c.853A>G on transcript NM_000390.4 (MANE Select); coding-DNA position 853, A replaced by G.
Protein change: p.Lys285Glu; replaces lysine 285 with glutamic acid.
Molecular consequence: missense variant.
Genome position (GRCh38, 1-based): chrX:85,957,942, T>C on the plus strand (A>G on the coding strand, the complement: CHM is on the minus strand). VCF-style: chrX-85957942-T-C. GRCh37 (hg19) VCF-style: chrX-85212947-T-C.
Other names: c.409A>G, p.Lys137Glu (NM_001320959.1, NM_001362517.1, NM_001362518.2 and 1 more transcripts); short protein forms K137E, K285E.
Identifiers: ClinVar variation 2090563 (VCV002090563.4), dbSNP rs1399423057, ClinGen allele CA413785853.

ClinVar aggregate classification (germline): Uncertain significance (1 of 4 stars; one submission).

Allele frequency attached by ClinVar (database versions not stated): gnomAD exomes below 0.00001.
gnomAD v4.1: 1 of 1,211,172 alleles (0.000083%); highest among the groups gnomAD compares: Admixed American, 0.0022%; no homozygotes.

Submission:

Labcorp Genetics (formerly Invitae), Labcorp
Classification: Uncertain significance. Last evaluated: 2023-02-14. Review status: criteria provided, single submitter. Criteria: Invitae Variant Classification Sherloc (09022015). Collection method: clinical testing. Allele origin: germline.
Comment: This sequence change replaces lysine, which is basic and polar, with glutamic acid, which is acidic and polar, at codon 285 of the CHM protein (p.Lys285Glu). This variant is present in population databases (no rsID available, gnomAD 0.004%), including at least one homozygous and/or hemizygous individual. This variant has not been reported in the literature in individuals affected with CHM-related conditions. Advanced modeling of protein sequence and biophysical properties (such as structural, functional, and spatial information, amino acid conservation, physicochemical variation, residue mobility, and thermodynamic stability) performed at Invitae indicates that this missense variant is not expected to disrupt CHM protein function. In summary, the available evidence is currently insufficient to determine the role of this variant in disease. Therefore, it has been classified as a Variant of Uncertain Significance.